The following is an entry in ClinVar:

NM_006164.5(NFE2L2):c.497A>C (p.Glu166Ala)

Gene: NFE2L2 (NFE2 like bZIP transcription factor 2; minus strand). Cytogenetic location: 2q31.2.
Variant type: single nucleotide variant.
Coding change: c.497A>C on transcript NM_006164.5 (MANE Select); coding-DNA position 497, A replaced by C.
Protein change: p.Glu166Ala; replaces glutamic acid 166 with alanine.
Molecular consequence: missense variant.
Genome position (GRCh38, 1-based): chr2:177,232,489, T>G on the plus strand (A>C on the coding strand, the complement: NFE2L2 is on the minus strand). VCF-style: chr2-177232489-T-G. GRCh37 (hg19) VCF-style: chr2-178097217-T-G.
Other names: c.449A>C, p.Glu150Ala (NM_001145412.3, NM_001313900.1, NM_001313901.1); c.428A>C, p.Glu143Ala (NM_001145413.3); c.407A>C, p.Glu136Ala (NM_001313902.2); c.278A>C, p.Glu93Ala (NM_001313903.2); c.197A>C, p.Glu66Ala (NM_001313904.1); short protein forms E136A, E143A, E150A, E166A, E66A, E93A.
Identifiers: ClinVar variation 4531142 (VCV004531142.1).

ClinVar aggregate classification (germline): Uncertain significance (1 of 4 stars; one submission).

gnomAD v4.1: 1 of 1,614,138 alleles (0.000062%); highest among the groups gnomAD compares: Non-Finnish European, 0.000085%; no homozygotes.

Submission:

GeneDx
Classification: Uncertain significance. Last evaluated: 2025-05-20. Review status: criteria provided, single submitter. Criteria: GeneDx Variant Classification Process June 2021. Collection method: clinical testing. Allele origin: germline. Affected: yes.
Comment: Not observed at significant frequency in large population cohorts (gnomAD); In silico analysis suggests that this missense variant does not alter protein structure/function; Has not been previously published as pathogenic or benign to our knowledge